The following is an entry in ClinVar:

NM_004360.5(CDH1):c.2165-2A>C

Gene: CDH1 (cadherin 1; plus strand). Cytogenetic location: 16q22.1.
Variant type: single nucleotide variant.
Coding change: c.2165-2A>C on transcript NM_004360.5 (MANE Select); the canonical splice acceptor site of the intron before coding-DNA position 2165, A replaced by C.
Molecular consequence: splice acceptor variant.
Genome position (GRCh38, 1-based): chr16:68,828,172, A>C. VCF-style: chr16-68828172-A-C. GRCh37 (hg19) VCF-style: chr16-68862075-A-C.
Other names: c.617-2A>C (NM_001317185.2); c.200-2A>C (NM_001317186.2); c.1982-2A>C (NM_001317184.2).
Identifiers: ClinVar variation 1504407 (VCV001504407.6), dbSNP rs1596970624, ClinGen allele CA396469193.
Genomic context (GRCh38, chr16:68,828,172, plus strand): 5'-CTGCTTCTGGCCTTCTTTATCTTTGGCTCTCAACACTTGCTCTGTCTCCCCCACCATCCC[A>C]GTTCTGATTCTGCTGCTCTTGCTGTTTCTTCGGAGGAGAGCGGTGGTCAAAGAGCCCTTA-3'

ClinVar aggregate classification (germline): Pathogenic (1 of 4 stars; one submission).

Conditions:
Hereditary diffuse gastric adenocarcinoma (HDGC). Also called: DIFFUSE GASTRIC AND LOBULAR BREAST CANCER SYNDROME. Identifiers: Orphanet 26106, MedGen C1708349, MONDO:0007648, OMIM 137215.

Submission:

Labcorp Genetics (formerly Invitae), Labcorp
Classification: Pathogenic for Hereditary diffuse gastric adenocarcinoma. Last evaluated: 2025-01-15. Review status: criteria provided, single submitter. Criteria: Invitae Variant Classification Sherloc (09022015). Collection method: clinical testing. Allele origin: germline.
Comment: This sequence change affects an acceptor splice site in intron 13 of the CDH1 gene. RNA analysis indicates that disruption of this splice site induces altered splicing and may result in an absent or altered protein product. This variant is not present in population databases (gnomAD no frequency). Disruption of this splice site has been observed in individual(s) with hereditary diffuse gastric cancer (internal data). ClinVar contains an entry for this variant (Variation ID: 1504407). Studies have shown that disruption of this splice site results in activation of a cryptic splice site, and produces a non-functional protein and/or introduces a premature termination codon (internal data). For these reasons, this variant has been classified as Pathogenic.